The following is an entry in ClinVar:

ClinVar aggregate classification (germline): Conflicting classifications of pathogenicity. Review status: criteria provided, conflicting classifications (1 of 4 stars). 13 submissions from 12 submitters: Likely pathogenic (1); Uncertain significance (4); Likely benign (4). 4 of the submissions do not count toward it. Last evaluated 2026-02-24.

Conditions:
F10-related disorder. Also called: F10-related condition.
Hereditary factor X deficiency disease. Also called: STUART-PROWER FACTOR DEFICIENCY; Congenital factor X deficiency. Identifiers: Orphanet 328, MedGen C0272327, MONDO:0009212, OMIM 227600.
Factor X deficiency. Also called: F10 DEFICIENCY. Identifiers: MedGen C0015519, MeSH D005171, MONDO:0002247.
Abnormal bleeding. Also called: Bleeding diathesis. Identifiers: MedGen C1458140, HP:0001892.

Allele frequency attached by ClinVar (database versions not stated): 1000 Genomes Project 30x 0.00125; 1000 Genomes Project 0.00140; TOPMed 0.00185; gnomAD 0.00334 and 0.00347; gnomAD exomes 0.00382 and 0.00445; ExAC 0.00451.
gnomAD v4.1: 6,066 of 1,614,142 alleles (0.38%); highest among the groups gnomAD compares: Middle Eastern, 0.46%; 22 homozygotes.

Submissions (13):

Women's Health and Genetics/Laboratory Corporation of America, LabCorp
Classification: Likely benign. Last evaluated: 2026-02-24. Review status: criteria provided, single submitter. Criteria: LabCorp Variant Classification Summary - May 2015. Collection method: clinical testing. Allele origin: germline.
Comment: Variant summary: F10 c.424G>A (p.Glu142Lys) results in a conservative amino acid change in the encoded protein sequence. Algorithms developed to predict the effect of missense changes on protein structure and function are either unavailable or do not agree on the potential impact of this missense change. The variant allele was found at a frequency of 0.0044 in 251310 control chromosomes, predominantly at a frequency of 0.0044 within the Non-Finnish European subpopulation in the gnomAD database, including 1 homozygotes. The observed variant frequency within Non-Finnish European control individuals in the gnomAD database exceeds the estimated maximal expected allele frequency for disease-causing variants in F10. c.424G>A has been observed in individuals affected with Factor X Deficiency without strong evidence for causality (Marchetti_1995). These report(s) do not provide unequivocal conclusions about association of the variant with Factor X Deficiency. At least one publication reports experimental evidence evaluating an impact on protein function (Forberg_2000). These results showed minor functional defect of the mutant protein. The following publications have been ascertained in the context of this evaluation (PMID: 31064749, 10739379, 39563277, 7669671). ClinVar contains an entry for this variant (Variation ID: 12061). Based on the evidence outlined above, the variant was classified as likely benign.

CeGaT Center for Human Genetics Tuebingen
Classification: Likely benign. Last evaluated: 2024-12-01. Review status: criteria provided, single submitter. Criteria: CeGaT Center For Human Genetics Tuebingen Variant Classification Criteria Version 2. Collection method: clinical testing. Allele origin: germline. Affected: yes. Observed: 2 variant alleles.
Comment: F10: BS2

Mayo Clinic Laboratories, Mayo Clinic
Classification: Likely pathogenic. Last evaluated: 2024-04-22. Review status: criteria provided, single submitter. Criteria: ACMG Guidelines, 2015. Collection method: clinical testing. Allele origin: germline. Observed: 2 variant alleles.
Comment: PP1_strong, PM1_supporting, PM3_strong, PS3_moderate

Laboratory for Molecular Medicine, Mass General Brigham Personalized Medicine
Classification: Likely benign. Last evaluated: 2023-09-12. Review status: criteria provided, single submitter. Criteria: ACMG Guidelines, 2015. Collection method: clinical testing. Allele origin: germline.
Comment: The p.Glu142Lys (previously reported as Glu102Lys) variant in F10 is classified as likely benign because it has been identified in 1.8% (200/10624) of European chromosomes by gnomAD (v.3.1.2), including 2 homozygotes. This variant has been reported in individuals with factor X deficiency, but it has been found alongside other homozygous variants (Marchetti 1995 PMID: 7669671, Forberg 2000 PMID: 10739379, Bastida 2016 PMID: 26879396, Downes 2019 PMID: 31064749). In vitro functional studies show that this variant retains function similar to wild type, however, may have a slight reduction as it has not been studied in isolation. This reduction is thought to be below the clinical threshold for disease (Forberg 2000 PMID: 10739379); however, these types of assays may not accurately represent biological function. ACMG/AMP criteria applied: BS1, BS3_Supporting.

NIHR Bioresource Rare Diseases, University of Cambridge
Classification: Uncertain significance for Hereditary factor X deficiency disease. Last evaluated: 2019-02-01. Review status: criteria provided, single submitter. Criteria: ACMG Guidelines, 2015. Collection method: research. Allele origin: unknown. Affected: yes. Observed: 1 heterozygote. Study: ThromboGenomics.

NIHR Bioresource Rare Diseases, University of Cambridge
Classification: Uncertain significance for Abnormal bleeding. Last evaluated: 2019-02-01. Review status: criteria provided, single submitter. Criteria: ACMG Guidelines, 2015. Collection method: research. Allele origin: unknown. Affected: yes. Observed: 1 heterozygote. Study: ThromboGenomics.

GeneDx
Classification: Likely benign. Last evaluated: 2017-11-16. Review status: criteria provided, single submitter. Criteria: GeneDx Variant Classification (06012015). Collection method: clinical testing. Allele origin: germline. Affected: yes.
Comment: This variant is considered likely benign or benign based on one or more of the following criteria: it is a conservative change, it occurs at a poorly conserved position in the protein, it is predicted to be benign by multiple in silico algorithms, and/or has population frequency not consistent with disease.

Illumina Laboratory Services, Illumina
Classification: Uncertain significance for Hereditary factor X deficiency disease. Last evaluated: 2017-04-27. Review status: criteria provided, single submitter. Criteria: ICSL Variant Classification Criteria 13 December 2019. Collection method: clinical testing. Allele origin: germline.
Comment: This variant was observed as part of a predisposition screen in an ostensibly healthy population. A literature search was performed for the gene, cDNA change, and amino acid change (where applicable). Publications were found based on this search. However, the evidence from the literature, in combination with allele frequency data from public databases where available, was not sufficient to rule this variant in or out of causing disease. Therefore, this variant is classified as a variant of unknown significance.

ISTH-SSC Genomics in Thrombosis and Hemostasis, KU Leuven, Center for Molecular and Vascular Biology
Classification: Uncertain significance for Hereditary factor X deficiency disease. Review status: criteria provided, single submitter. Criteria: ACMG Guidelines, 2015. Collection method: clinical testing. Allele origin: germline. Affected: yes. Observed: 2 heterozygotes. Clinical features observed: Prolonged PT and normal APTT, Low Factor X, Absent bleeding, Bleeding.
Comment: Submitted to GoldVariant by Kathleen Freson, Center for Molecular and Vascular Biology, Leuven, Belgium

PreventionGenetics, part of Exact Sciences
Classification: Likely benign for F10-related condition. Last evaluated: 2022-01-06. Review status: no assertion criteria provided. Collection method: clinical testing. Allele origin: germline. Not counted in ClinVar's aggregate classification.
Comment: This variant is classified as likely benign based on ACMG/AMP sequence variant interpretation guidelines (Richards et al. 2015 PMID: 25741868, with internal and published modifications).

OMIM
Classification: Pathogenic for FACTOR X DEFICIENCY. Last evaluated: 1995-08-01. Review status: no assertion criteria provided. Collection method: literature only. Allele origin: germline. Not counted in ClinVar's aggregate classification.

Clinical Genetics DNA and cytogenetics Diagnostics Lab, Erasmus MC, Erasmus Medical Center
Classification: Uncertain significance. Review status: no assertion criteria provided. Collection method: clinical testing. Allele origin: germline. Affected: yes. Study: VKGL Data-share Consensus. Not counted in ClinVar's aggregate classification.

Diagnostic Laboratory, Department of Genetics, University Medical Center Groningen
Classification: Uncertain significance. Review status: no assertion criteria provided. Collection method: clinical testing. Allele origin: germline. Affected: yes. Study: VKGL Data-share Consensus. Not counted in ClinVar's aggregate classification.

Literature cited by the submitters: PubMed 31064749 (cited by 3 submitters); PubMed 10739379 (cited by Women's Health and Genetics/Laboratory Corporation of America, LabCorp and Mayo Clinic Laboratories, Mayo Clinic); PubMed 39563277 (cited by Women's Health and Genetics/Laboratory Corporation of America, LabCorp); PubMed 7669671 (cited by 4 submitters); PubMed 16919077 (cited by Mayo Clinic Laboratories, Mayo Clinic); PubMed 1973167 (cited by Mayo Clinic Laboratories, Mayo Clinic); PubMed 25582404 (cited by Mayo Clinic Laboratories, Mayo Clinic and Illumina Laboratory Services, Illumina); PubMed 26540129 (cited by Mayo Clinic Laboratories, Mayo Clinic); PubMed 26879396 (cited by Mayo Clinic Laboratories, Mayo Clinic and Illumina Laboratory Services, Illumina); PubMed 29875488 (cited by Mayo Clinic Laboratories, Mayo Clinic); PubMed 33477601 (cited by Mayo Clinic Laboratories, Mayo Clinic); PubMed 35140190 (cited by Mayo Clinic Laboratories, Mayo Clinic); PubMed 37842794 (cited by Mayo Clinic Laboratories, Mayo Clinic).

NM_000504.4(F10):c.424G>A (p.Glu142Lys)

Gene: F10 (coagulation factor X; plus strand). Cytogenetic location: 13q34.
Variant type: single nucleotide variant.
Coding change: c.424G>A on transcript NM_000504.4 (MANE Select); coding-DNA position 424, G replaced by A.
Protein change: p.Glu142Lys; replaces glutamic acid 142 with lysine.
Molecular consequence: missense variant. On other transcripts: intron variant (1).
Genome position (GRCh38, 1-based): chr13:113,140,972, G>A. VCF-style: chr13-113140972-G-A. GRCh37 (hg19) VCF-style: chr13-113795286-G-A.
Other names: F10, GLU102LYS; E102K; c.424G>A, p.Glu142Lys (LRG_548t1, NM_001312675.2); c.370+1502G>A (NM_001312674.2); short protein forms E142K.
Identifiers: ClinVar variation 12061 (VCV000012061.50), dbSNP rs61753266, ClinGen allele CA121843.